The following is an entry in ClinVar:

ClinVar aggregate classification (germline): Pathogenic (1 of 4 stars; one submission).

Conditions:
Usher syndrome type 1F (USH1F). Also called: USHER SYNDROME, TYPE IF. Identifiers: Orphanet 231169, Orphanet 886, MedGen C1865885, MONDO:0011186, OMIM 602083.

Submission:

Myriad Genetics, Inc.
Classification: Pathogenic for Usher syndrome type 1F. Last evaluated: 2023-09-27. Review status: criteria provided, single submitter. Criteria: Myriad Autosomal Dominant, Autosomal Recessive and X-Linked Classification Criteria (2023). Collection method: clinical testing. Allele origin: unknown.
Comment: NM_033056.3(PCDH15):c.3895dupT(S1299Ffs*9) is expected to be pathogenic in the context of PCDH15-related disorders. This variant is predicted to lead to an abnormal or absent protein product due to the creation of a premature termination codon in PCDH15, a gene where loss-of-function variants are known to be pathogenic. Please note: this variant was assessed in the context of healthy population screening.

NM_001384140.1(PCDH15):c.3895dup (p.Ser1299fs)

Gene: PCDH15 (protocadherin related 15; minus strand). Cytogenetic location: 10q21.1.
Variant type: Duplication.
Coding change: c.3895dup on transcript NM_001384140.1 (MANE Select); coding-DNA position 3895, one base duplicated (T; older notation c.3895dupT).
Protein change: p.Ser1299fs; shifts the reading frame from serine 1299.
Molecular consequence: frameshift variant.
Genome position (GRCh38, 1-based): chr10:53,840,408, A duplicated on the plus strand (T on the coding strand, the reverse complement: PCDH15 is on the minus strand); the first of 4 consecutive A bases (chr10:53,840,408-53,840,411); duplicating any one gives the same sequence. VCF-style (leftmost placement, unchanged base first): chr10-53840407-G-GA. GRCh37 (hg19) VCF-style: chr10-55600167-G-GA.
Other names: c.3910dup, p.Ser1304fs (NM_001142763.2, NM_001142771.2); c.3895dup, p.Ser1299fs (NM_001142764.2, NM_001142766.2, NM_001142770.3 and 4 more transcripts); c.3682dup, p.Ser1228fs (NM_001142765.2); c.3784dup, p.Ser1262fs (NM_001142767.2); c.3829dup, p.Ser1277fs (NM_001142768.2, NM_001142773.2, NM_001354404.2); c.3928dup, p.Ser1311Phefs (NM_001142769.4); c.3916dup, p.Ser1306fs (NM_001354411.2); short protein forms S1228fs, S1262fs, S1277fs, S1299fs, S1304fs, S1306fs, S1311fs.
Identifiers: ClinVar variation 5012085 (VCV005012085.1).